The following is an entry in ClinVar:

ClinVar aggregate classification (germline): Uncertain significance (1 of 4 stars; one submission).

gnomAD v4.1: 38 of 1,614,196 alleles (0.0024%); highest among the groups gnomAD compares: African/African-American, 0.0067%; no homozygotes.

Submission:

GeneDx
Classification: Uncertain significance. Last evaluated: 2025-05-01. Review status: criteria provided, single submitter. Criteria: GeneDx Variant Classification Process June 2021. Collection method: clinical testing. Allele origin: germline. Affected: yes.
Comment: In silico analysis suggests that this missense variant does not alter protein structure/function; Has not been previously published as pathogenic or benign to our knowledge

NM_001298.3(CNGA3):c.308G>A (p.Arg103His)

Gene: CNGA3 (cyclic nucleotide gated channel subunit alpha 3; plus strand). Cytogenetic location: 2q11.2.
Variant type: single nucleotide variant.
Coding change: c.308G>A on transcript NM_001298.3 (MANE Select); coding-DNA position 308, G replaced by A.
Protein change: p.Arg103His; replaces arginine 103 with histidine.
Molecular consequence: missense variant.
Genome position (GRCh38, 1-based): chr2:98,380,267, G>A. VCF-style: chr2-98380267-G-A. GRCh37 (hg19) VCF-style: chr2-98996730-G-A.
Other names: c.308G>A, p.Arg103His (NM_001079878.2); short protein forms R103H.
Identifiers: ClinVar variation 4528008 (VCV004528008.1).